The following is an entry in ClinVar:

NM_014363.6(SACS):c.4318A>G (p.Ser1440Gly)

Gene: SACS (sacsin molecular chaperone; minus strand). Cytogenetic location: 13q12.12.
Variant type: single nucleotide variant.
Coding change: c.4318A>G on transcript NM_014363.6 (MANE Select); coding-DNA position 4318, A replaced by G.
Protein change: p.Ser1440Gly; replaces serine 1440 with glycine.
Molecular consequence: missense variant.
Genome position (GRCh38, 1-based): chr13:23,339,558, T>C on the plus strand (A>G on the coding strand, the complement: SACS is on the minus strand). VCF-style: chr13-23339558-T-C. GRCh37 (hg19) VCF-style: chr13-23913697-T-C.
Other names: c.3877A>G, p.Ser1293Gly (NM_001278055.2); short protein forms S1293G, S1440G.
Identifiers: ClinVar variation 805296 (VCV000805296.9), dbSNP rs1172044277, ClinGen allele CA387529568.
Genomic context (GRCh38, chr13:23,339,558, plus strand): 5'-GTGGCTCTCTTTGTCCTGACTGCTCAAATCCCATGTTTTCAGGATTTATCAGTCTTGTAC[T>C]AAGGCATGGAACTTTTAGCCATTCTGCAGTTTTCATGGGTATGTCCTCATGCACCAAAAT-3'
Protein context (NP_055178.3, residues 1430-1450): TAEWLKVPCL[Ser1440Gly]TRLINPENMG

ClinVar aggregate classification (germline): Uncertain significance. Review status: criteria provided, multiple submitters, no conflicts (2 of 4 stars). 5 submissions from 5 submitters: Uncertain significance (4). 1 of the submissions does not count toward it. Last evaluated 2025-01-06.

Conditions:
Inborn genetic diseases. Identifiers: MedGen C0950123, MeSH D030342.
Spastic paraplegia. Identifiers: MedGen C0037772, HP:0001258.
Charlevoix-Saguenay spastic ataxia (SACS). Also called: AUTOSOMAL RECESSIVE SPASTIC ATAXIA OF CHARLEVOIX-SAGUENAY; Spastic ataxia of Charlevoix-Saguenay; SPASTIC ATAXIA 6, AUTOSOMAL RECESSIVE. Identifiers: Orphanet 98, MedGen C1849140, MONDO:0010041, OMIM 270550.

Allele frequency attached by ClinVar (database versions not stated): TOPMed below 0.00001; gnomAD exomes 0.00001; gnomAD 0.00003.
gnomAD v4.1: 21 of 1,613,024 alleles (0.0013%); highest among the groups gnomAD compares: Non-Finnish European, 0.0018%; no homozygotes.

Submissions (5):

Labcorp Genetics (formerly Invitae), Labcorp
Classification: Uncertain significance for Spastic paraplegia. Last evaluated: 2025-01-06. Review status: criteria provided, single submitter. Criteria: Invitae Variant Classification Sherloc (09022015). Collection method: clinical testing. Allele origin: germline.
Comment: This sequence change replaces serine, which is neutral and polar, with glycine, which is neutral and non-polar, at codon 1440 of the SACS protein (p.Ser1440Gly). This variant is present in population databases (no rsID available, gnomAD 0.005%). This variant has not been reported in the literature in individuals affected with SACS-related conditions. ClinVar contains an entry for this variant (Variation ID: 805296). Invitae Evidence Modeling of protein sequence and biophysical properties (such as structural, functional, and spatial information, amino acid conservation, physicochemical variation, residue mobility, and thermodynamic stability) has been performed for this missense variant. However, the output from this modeling did not meet the statistical confidence thresholds required to predict the impact of this variant on SACS protein function. In summary, the available evidence is currently insufficient to determine the role of this variant in disease. Therefore, it has been classified as a Variant of Uncertain Significance.

Ambry Genetics
Classification: Uncertain significance for Inborn genetic diseases. Last evaluated: 2023-12-21. Review status: criteria provided, single submitter. Criteria: Ambry Variant Classification Scheme 2023. Collection method: clinical testing. Allele origin: germline.

GeneDx
Classification: Uncertain significance. Last evaluated: 2022-11-09. Review status: criteria provided, single submitter. Criteria: GeneDx Variant Classification Process June 2021. Collection method: clinical testing. Allele origin: germline. Affected: yes.
Comment: Not observed at significant frequency in large population cohorts (gnomAD); In silico analysis supports that this missense variant has a deleterious effect on protein structure/function; Has not been previously published as pathogenic or benign to our knowledge

Athena Diagnostics
Classification: Uncertain significance. Last evaluated: 2021-11-10. Review status: criteria provided, single submitter. Criteria: Athena Diagnostics Criteria. Collection method: clinical testing. Allele origin: unknown.

Natera, Inc.
Classification: Uncertain significance for Charlevoix-Saguenay type spastic ataxia. Last evaluated: 2020-02-26. Review status: no assertion criteria provided. Collection method: clinical testing. Allele origin: germline. Not counted in ClinVar's aggregate classification.